The following is an entry in ClinVar:

ClinVar aggregate classification (germline): Uncertain significance (1 of 4 stars; one submission).

Conditions:
GM3 synthase deficiency (SPDRS). Also called: SALT AND PEPPER MENTAL RETARDATION SYNDROME; AMISH INFANTILE EPILEPSY SYNDROME; SALT AND PEPPER DEVELOPMENTAL REGRESSION SYNDROME. Identifiers: Orphanet 171714, Orphanet 370933, MedGen C1836824, MONDO:0018274, OMIM 609056.

Allele frequency attached by ClinVar (database versions not stated): gnomAD 0.00001.
gnomAD v4.1: 5 of 1,613,858 alleles (0.00031%); highest among the groups gnomAD compares: Admixed American, 0.0033%; no homozygotes.

Submission:

Labcorp Genetics (formerly Invitae), Labcorp
Classification: Uncertain significance for GM3 synthase deficiency. Last evaluated: 2022-05-04. Review status: criteria provided, single submitter. Criteria: Invitae Variant Classification Sherloc (09022015). Collection method: clinical testing. Allele origin: germline.
Comment: This sequence change replaces leucine, which is neutral and non-polar, with phenylalanine, which is neutral and non-polar, at codon 365 of the ST3GAL5 protein (p.Leu365Phe). This variant is present in population databases (no rsID available, gnomAD 0.1%). This variant has not been reported in the literature in individuals affected with ST3GAL5-related conditions. Algorithms developed to predict the effect of missense changes on protein structure and function are either unavailable or do not agree on the potential impact of this missense change (SIFT: "Deleterious"; PolyPhen-2: "Probably Damaging"; Align-GVGD: "Class C15"). In summary, the available evidence is currently insufficient to determine the role of this variant in disease. Therefore, it has been classified as a Variant of Uncertain Significance.

NM_003896.4(ST3GAL5):c.1093C>T (p.Leu365Phe)

Gene: ST3GAL5 (ST3 beta-galactoside alpha-2,3-sialyltransferase 5; minus strand). Cytogenetic location: 2p11.2.
Variant type: single nucleotide variant.
Coding change: c.1093C>T on transcript NM_003896.4 (MANE Select); coding-DNA position 1093, C replaced by T.
Protein change: p.Leu365Phe; replaces leucine 365 with phenylalanine.
Molecular consequence: missense variant.
Genome position (GRCh38, 1-based): chr2:85,840,308, G>A on the plus strand (C>T on the coding strand, the complement: ST3GAL5 is on the minus strand). VCF-style: chr2-85840308-G-A. GRCh37 (hg19) VCF-style: chr2-86067431-G-A.
Other names: c.709C>T, p.Leu237Phe (NM_001354224.2, NM_001354226.2, NM_001354223.2 and 3 more transcripts); c.1009C>T, p.Leu337Phe (NM_001354227.2, NM_001354229.2, NM_001354238.1); c.1024C>T, p.Leu342Phe (NM_001042437.2); c.370C>T, p.Leu124Phe (NM_001354247.1); c.934C>T, p.Leu312Phe (NM_001363847.1); short protein forms L237F, L342F, L312F, L365F, L337F, L124F.
Identifiers: ClinVar variation 2170417 (VCV002170417.1), dbSNP rs775647232, ClinGen allele CA347503094.